The following is an entry in ClinVar:

NM_000059.4(BRCA2):c.5199_5909del (p.Glu1734_Ser1970del)

Gene: BRCA2 (BRCA2 DNA repair associated; plus strand). Cytogenetic location: 13q13.1.
Variant type: Deletion.
Coding change: c.5199_5909del on transcript NM_000059.4 (MANE Select); coding-DNA positions 5199 to 5909, 711 bases deleted.
Protein change: p.Glu1734_Ser1970del.
Molecular consequence: inframe deletion. On other transcripts: inframe indel (3).
Genome position (GRCh38, 1-based): chr13:32,339,554-32,340,264, 711 bases deleted. GRCh37 (hg19): chr13:32,913,691-32,914,401.
Other names: c.5199_5909del711, p.Glu1734_Ser1970del (NM_000059.3, NM_001406719.1, NM_001406720.1); c.5199_5909del (NM_000059.3).
Identifiers: ClinVar variation 1745954 (VCV001745954.10), dbSNP rs2548530199, ClinGen allele CA2580087342.

ClinVar aggregate classification (germline): Uncertain significance. Review status: criteria provided, multiple submitters, no conflicts (2 of 4 stars). 4 submissions from 4 submitters: Uncertain significance (4). Last evaluated 2025-10-30.

Conditions:
Hereditary cancer-predisposing syndrome. Also called: Hereditary Cancer Syndrome; Neoplastic Syndromes, Hereditary; Tumor predisposition; Hereditary neoplastic syndrome. Identifiers: Orphanet 140162, MedGen C0027672, MeSH D009386, MONDO:0015356.
Hereditary breast ovarian cancer syndrome. Also called: Breast and ovarian cancer; Hereditary breast and ovarian cancer; Hereditary breast and/or ovarian cancer syndrome; BRCA1- and BRCA2-Associated Hereditary Breast and Ovarian Cancer; Hereditary breast and ovarian cancer syndrome (HBOC); Hereditary breast and ovarian cancer syndrome. Identifiers: Orphanet 145, MedGen C0677776, MeSH D061325, MONDO:0003582. Disease mechanism: loss of function.

Submissions (4):

Ambry Genetics
Classification: Uncertain significance for Hereditary cancer-predisposing syndrome. Last evaluated: 2025-10-30. Review status: criteria provided, single submitter. Criteria: Ambry Variant Classification Scheme 2023. Collection method: clinical testing. Allele origin: germline.
Comment: The c.5199_5909del711 variant, located in coding exon 10 of the BRCA2 gene, results from an in-frame deletion of 711 nucleotides at positions 5199 to 5909. The resulting transcript is predicted to be in-frame and is not expected to trigger nonsense-mediated mRNA decay. The exact functional effect of the missing amino acids is unknown. Based on the available evidence, the clinical significance of this variant remains unclear.

GeneDx
Classification: Uncertain significance. Last evaluated: 2025-02-25. Review status: criteria provided, single submitter. Criteria: GeneDx Variant Classification Process June 2021. Collection method: clinical testing. Allele origin: germline. Affected: yes.
Comment: Not observed at significant frequency in large population cohorts (gnomAD); In-frame deletion of 237 amino acid(s) in a non-repeat region; In silico analysis supports a deleterious effect on protein structure/function; Has not been previously published as pathogenic or benign to our knowledge; Also known as 5427del711 or 5427_6137del; This variant is associated with the following publications: (PMID: 22193408, 9002670)

Quest Diagnostics Nichols Institute San Juan Capistrano
Classification: Uncertain significance. Last evaluated: 2024-02-06. Review status: criteria provided, single submitter. Criteria: Quest Diagnostics criteria. Collection method: clinical testing. Allele origin: unknown.
Comment: The BRCA2 c.5199_5909del (p.Glu1734_Ser1970del) variant has not been reported in individuals with BRCA2-related conditions in the published literature. It also has not been reported in large, multi-ethnic general populations (Genome Aggregation Database). Based on the available information, we are unable to determine the clinical significance of this variant.

Labcorp Genetics (formerly Invitae), Labcorp
Classification: Uncertain significance for Hereditary breast ovarian cancer syndrome. Last evaluated: 2023-06-15. Review status: criteria provided, single submitter. Criteria: Invitae Variant Classification Sherloc (09022015). Collection method: clinical testing. Allele origin: germline.
Comment: This variant has not been reported in the literature in individuals affected with BRCA2-related conditions. ClinVar contains an entry for this variant (Variation ID: 1745954). Experimental studies and prediction algorithms are not available or were not evaluated, and the functional significance of this variant is currently unknown. In summary, the available evidence is currently insufficient to determine the role of this variant in disease. Therefore, it has been classified as a Variant of Uncertain Significance. This variant, c.5199_5909del, results in the deletion of 237 amino acid(s) of the BRCA2 protein (p.Glu1734_Ser1970del), but otherwise preserves the integrity of the reading frame. This variant is not present in population databases (gnomAD no frequency).